The following is an entry in ClinVar:

NM_006231.4(POLE):c.2419G>A (p.Ala807Thr)

Gene: POLE (DNA polymerase epsilon, catalytic subunit; minus strand). Cytogenetic location: 12q24.33.
Variant type: single nucleotide variant.
Coding change: c.2419G>A on transcript NM_006231.4 (MANE Select); coding-DNA position 2419, G replaced by A.
Protein change: p.Ala807Thr; replaces alanine 807 with threonine.
Molecular consequence: missense variant.
Genome position (GRCh38, 1-based): chr12:132,665,351, C>T on the plus strand (G>A on the coding strand, the complement: POLE is on the minus strand). VCF-style: chr12-132665351-C-T. GRCh37 (hg19) VCF-style: chr12-133241937-C-T.
Other names: short protein forms A807T.
Identifiers: ClinVar variation 2125350 (VCV002125350.4), dbSNP rs2135961564, ClinGen allele CA387397186.
Genomic context (GRCh38, chr12:132,665,351, plus strand): 5'-GGCCCACCTACCCCTTGCGCATGACATAGCCATAGAAGGAGTTCAGGATGCACTTGTGGG[C>T]CAGCTGCAGCGAGTCATACAGCACCTCCATGTTCTTGCAGCGCTTCACCTCAGCCGCGTC-3'
Protein context (NP_006222.2, residues 797-817): MEVLYDSLQL[Ala807Thr]HKCILNSFYG

ClinVar aggregate classification (germline): Uncertain significance (1 of 4 stars; one submission).

Submission:

Labcorp Genetics (formerly Invitae), Labcorp
Classification: Uncertain significance. Last evaluated: 2022-04-12. Review status: criteria provided, single submitter. Criteria: Invitae Variant Classification Sherloc (09022015). Collection method: clinical testing. Allele origin: germline.
Comment: In summary, the available evidence is currently insufficient to determine the role of this variant in disease. Therefore, it has been classified as a Variant of Uncertain Significance. Algorithms developed to predict the effect of missense changes on protein structure and function (SIFT, PolyPhen-2, Align-GVGD) all suggest that this variant is likely to be disruptive. This variant has not been reported in the literature in individuals affected with POLE-related conditions. This variant is not present in population databases (gnomAD no frequency). This sequence change replaces alanine, which is neutral and non-polar, with threonine, which is neutral and polar, at codon 807 of the POLE protein (p.Ala807Thr).